The following is an entry in ClinVar:

ClinVar aggregate classification (germline): Uncertain significance. Review status: criteria provided, multiple submitters, no conflicts (2 of 4 stars). 3 submissions from 3 submitters: Uncertain significance (3). Last evaluated 2024-01-03.

Conditions:
Bartter disease type 1. Also called: Bartter Syndrome type 1; HYPOKALEMIC ALKALOSIS WITH HYPERCALCIURIA 1, ANTENATAL; Bartter syndrome, type 1, antenatal; HYPERPROSTAGLANDIN E SYNDROME 1. Identifiers: Orphanet 112, Orphanet 620217, MedGen C1866495, MONDO:0100344, OMIM 601678, MONDO:0011127.
Inborn genetic diseases. Identifiers: MedGen C0950123, MeSH D030342.

Allele frequency attached by ClinVar (database versions not stated): gnomAD exomes 0.00002 and 0.00006; TOPMed 0.00003; ESP Exome Variant Server 0.00008.
gnomAD v4.1: 95 of 1,613,630 alleles (0.0059%); highest among the groups gnomAD compares: Non-Finnish European, 0.0077%; no homozygotes.

Submissions (3):

Fulgent Genetics
Classification: Uncertain significance for Bartter disease type 1. Last evaluated: 2024-01-03. Review status: criteria provided, single submitter. Criteria: ACMG Guidelines, 2015. Collection method: clinical testing. Allele origin: germline.

Ambry Genetics
Classification: Uncertain significance for Inborn genetic diseases. Last evaluated: 2023-06-21. Review status: criteria provided, single submitter. Criteria: Ambry Variant Classification Scheme 2023. Collection method: clinical testing. Allele origin: germline.

Labcorp Genetics (formerly Invitae), Labcorp
Classification: Uncertain significance. Last evaluated: 2021-10-01. Review status: criteria provided, single submitter. Criteria: Invitae Variant Classification Sherloc (09022015). Collection method: clinical testing. Allele origin: germline.
Comment: This sequence change replaces alanine with threonine at codon 367 of the SLC12A1 protein (p.Ala367Thr). The alanine residue is moderately conserved and there is a small physicochemical difference between alanine and threonine. This variant is not present in population databases (ExAC no frequency). This variant has not been reported in the literature in individuals affected with SLC12A1-related conditions. Algorithms developed to predict the effect of missense changes on protein structure and function (SIFT, PolyPhen-2, Align-GVGD) all suggest that this variant is likely to be tolerated. In summary, the available evidence is currently insufficient to determine the role of this variant in disease. Therefore, it has been classified as a Variant of Uncertain Significance.

NM_000338.3(SLC12A1):c.1099G>A (p.Ala367Thr)

Gene: SLC12A1 (solute carrier family 12 member 1; plus strand). Cytogenetic location: 15q21.1.
Variant type: single nucleotide variant.
Coding change: c.1099G>A on transcript NM_000338.3 (MANE Select); coding-DNA position 1099, G replaced by A.
Protein change: p.Ala367Thr; replaces alanine 367 with threonine.
Molecular consequence: missense variant.
Genome position (GRCh38, 1-based): chr15:48,234,888, G>A. VCF-style: chr15-48234888-G-A. GRCh37 (hg19) VCF-style: chr15-48527085-G-A.
Other names: c.1099G>A (NM_000338.2); c.1099G>A, p.Ala367Thr (NM_001184832.2, NM_001384136.1); short protein forms A367T.
Identifiers: ClinVar variation 1467324 (VCV001467324.5), dbSNP rs371294005, ClinGen allele CA269464104.